The following is an entry in ClinVar:

NM_001927.4(DES):c.235A>C (p.Thr79Pro)

Gene: DES (desmin; plus strand). Cytogenetic location: 2q35.
Variant type: single nucleotide variant.
Coding change: c.235A>C on transcript NM_001927.4 (MANE Select); coding-DNA position 235, A replaced by C.
Protein change: p.Thr79Pro; replaces threonine 79 with proline.
Molecular consequence: missense variant.
Genome position (GRCh38, 1-based): chr2:219,418,697, A>C. VCF-style: chr2-219418697-A-C. GRCh37 (hg19) VCF-style: chr2-220283419-A-C.
Other names: c.235A>C, p.Thr79Pro (NM_001382708.1, NM_001382709.1, NM_001382710.1 and 3 more transcripts); short protein forms T79P.
Identifiers: ClinVar variation 2175591 (VCV002175591.5), dbSNP rs2125166096, ClinGen allele CA350684306.
Genomic context (GRCh38, chr2:219,418,697, plus strand): 5'-ACGTCGGGCGGGGCCGGGGGCCTGGGGTCGCTGCGGGCCAGCCGGCTGGGGACCACCCGC[A>C]CGCCCTCCTCCTACGGCGCAGGCGAGCTGCTGGACTTCTCACTGGCCGACGCGGTGAACC-3'
Protein context (NP_001918.3, residues 69-89): LRASRLGTTR[Thr79Pro]PSSYGAGELL

ClinVar aggregate classification (germline): Uncertain significance. Review status: criteria provided, multiple submitters, no conflicts (2 of 4 stars). 2 submissions from 2 submitters: Uncertain significance (2). Last evaluated 2025-02-23.

Conditions:
Desmin-related myofibrillar myopathy (MFM1). Also called: Desminopathy; Desmin related myopathy (former name); Desmin storage myopathy (former name); Myofibrillar myopathy 1; MYOFIBRILLAR MYOPATHY WITH ARRHYTHMOGENIC RIGHT VENTRICULAR CARDIOMYOPATHY; DESMIN-RELATED MYOPATHY WITH ARRHYTHMOGENIC RIGHT VENTRICULAR CARDIOMYOPATHY. Identifiers: Orphanet 363543, Orphanet 98909, MedGen C1832370, MONDO:0011076, OMIM 601419.
Cardiovascular phenotype. Identifiers: MedGen CN230736.

Submissions (2):

Ambry Genetics
Classification: Uncertain significance for Cardiovascular phenotype. Last evaluated: 2025-02-23. Review status: criteria provided, single submitter. Criteria: Ambry Variant Classification Scheme 2023. Collection method: clinical testing. Allele origin: germline.
Comment: The p.T79P variant (also known as c.235A>C), located in coding exon 1 of the DES gene, results from an A to C substitution at nucleotide position 235. The threonine at codon 79 is replaced by proline, an amino acid with highly similar properties. This amino acid position is conserved. In addition, this alteration is predicted to be tolerated by in silico analysis. Based on the available evidence, the clinical significance of this variant remains unclear.

Labcorp Genetics (formerly Invitae), Labcorp
Classification: Uncertain significance for Desmin-related myofibrillar myopathy. Last evaluated: 2022-06-14. Review status: criteria provided, single submitter. Criteria: Invitae Variant Classification Sherloc (09022015). Collection method: clinical testing. Allele origin: germline.
Comment: In summary, the available evidence is currently insufficient to determine the role of this variant in disease. Therefore, it has been classified as a Variant of Uncertain Significance. Algorithms developed to predict the effect of missense changes on protein structure and function are either unavailable or do not agree on the potential impact of this missense change (SIFT: "Deleterious"; PolyPhen-2: "Benign"; Align-GVGD: "Class C0"). This variant has not been reported in the literature in individuals affected with DES-related conditions. This variant is not present in population databases (gnomAD no frequency). This sequence change replaces threonine, which is neutral and polar, with proline, which is neutral and non-polar, at codon 79 of the DES protein (p.Thr79Pro).